The following is an entry in ClinVar:

ClinVar aggregate classification (germline): Likely pathogenic (1 of 4 stars; one submission).

Conditions:
Neurofibromatosis, type 1 (NF1). Also called: Peripheral type neurofibromatosis; NEUROFIBROMATOSIS, TYPE I, SOMATIC; Neurofibromatosis, type I; VON RECKLINGHAUSEN DISEASE. Identifiers: Orphanet 636, MedGen C0027831, MONDO:0018975, OMIM 162200. Disease mechanism: loss of function.

Submission:

Labcorp Genetics (formerly Invitae), Labcorp
Classification: Likely pathogenic for Neurofibromatosis, type 1. Last evaluated: 2024-01-14. Review status: criteria provided, single submitter. Criteria: Invitae Variant Classification Sherloc (09022015). Collection method: clinical testing. Allele origin: germline.
Comment: This variant results in the deletion of part of exon 47 (c.7000-10_7003del) of the NF1 gene. It is expected to disrupt RNA splicing. Variants that disrupt the donor or acceptor splice site typically lead to a loss of protein function (PMID: 16199547), and loss-of-function variants in NF1 are known to be pathogenic (PMID: 10712197, 23913538). This variant is not present in population databases (gnomAD no frequency). This variant has not been reported in the literature in individuals affected with NF1-related conditions. ClinVar contains an entry for this variant (Variation ID: 2134101). In summary, the currently available evidence indicates that the variant is pathogenic, but additional data are needed to prove that conclusively. Therefore, this variant has been classified as Likely Pathogenic.

Literature cited by the submitters: PubMed 16199547; PubMed 10712197; PubMed 23913538.

NM_001042492.3(NF1):c.7063-10_7066del

Gene: NF1 (neurofibromin 1; plus strand). Cytogenetic location: 17q11.2.
Variant type: Deletion.
Coding change: c.7063-10_7066del on transcript NM_001042492.3 (MANE Select); 10 bases into the intron before coding-DNA position 7063 through coding-DNA position 7066, 14 bases deleted (TCTTTAATAGAGTC).
Molecular consequence: splice acceptor variant.
Genome position (GRCh38, 1-based): chr17:31,342,999-31,343,012, TCTTTAATAGAGTC deleted. VCF-style (leftmost placement, unchanged base first): chr17-31342998-ATCTTTAATAGAGTC-A. GRCh37 (hg19) VCF-style: chr17-29670016-ATCTTTAATAGAGTC-A.
Other names: c.7000-10_7003del (NM_000267.4).
Identifiers: ClinVar variation 2134101 (VCV002134101.4), dbSNP rs2508779204, ClinGen allele CA2580093230.